The following is an entry in ClinVar:

NM_018240.7(KIRREL1):c.1011C>G (p.Leu337=)

Gene: KIRREL1 (kirre like nephrin family adhesion molecule 1; plus strand). Cytogenetic location: 1q23.1.
Variant type: single nucleotide variant.
Coding change: c.1011C>G on transcript NM_018240.7 (MANE Select); coding-DNA position 1011, C replaced by G.
Protein change: p.Leu337=; no amino-acid change (leucine 337 retained).
Molecular consequence: synonymous variant.
Genome position (GRCh38, 1-based): chr1:158,088,421, C>G. VCF-style: chr1-158088421-C-G. GRCh37 (hg19) VCF-style: chr1-158058211-C-G.
Other names: c.711C>G, p.Leu237= (NM_001286349.2).
Identifiers: ClinVar variation 3048962 (VCV003048962.2), dbSNP rs560490359, ClinGen allele CA1177513.

ClinVar aggregate classification (germline): Likely benign (0 of 4 stars; one submission).

Conditions:
KIRREL1-related disorder. Also called: KIRREL1-related condition.

Allele frequency attached by ClinVar (database versions not stated): TOPMed 0.00001; gnomAD 0.00003; gnomAD exomes 0.00005; ExAC 0.00021; 1000 Genomes Project 0.00060; 1000 Genomes Project 30x 0.00062.
gnomAD v4.1: 83 of 1,613,022 alleles (0.0051%); highest among the groups gnomAD compares: South Asian, 0.076%; no homozygotes.

Submission:

PreventionGenetics, part of Exact Sciences
Classification: Likely benign for KIRREL1-related condition. Last evaluated: 2021-03-25. Review status: no assertion criteria provided. Collection method: clinical testing. Allele origin: germline.
Comment: This variant is classified as likely benign based on ACMG/AMP sequence variant interpretation guidelines (Richards et al. 2015 PMID: 25741868, with internal and published modifications).